The following is an entry in ClinVar:

NM_000059.4(BRCA2):c.1589A>C (p.Lys530Thr)

Gene: BRCA2 (BRCA2 DNA repair associated; plus strand). Cytogenetic location: 13q13.1.
Variant type: single nucleotide variant.
Coding change: c.1589A>C on transcript NM_000059.4 (MANE Select); coding-DNA position 1589, A replaced by C.
Protein change: p.Lys530Thr; replaces lysine 530 with threonine.
Molecular consequence: missense variant. On other transcripts: non-coding transcript variant (1), intron variant (1).
Genome position (GRCh38, 1-based): chr13:32,333,067, A>C. VCF-style: chr13-32333067-A-C. GRCh37 (hg19) VCF-style: chr13-32907204-A-C.
Other names: c.1589A>C, p.Lys530Thr (NM_001406719.1, NM_001406720.1, NM_001406721.1 and 1 more transcripts); c.424+2037A>C (NM_001406722.1); short protein forms K530T.
Identifiers: ClinVar variation 3636429 (VCV003636429.2).

ClinVar aggregate classification (germline): Uncertain significance (1 of 4 stars; one submission).

Conditions:
Hereditary breast ovarian cancer syndrome. Also called: Hereditary breast and ovarian cancer syndrome; Hereditary breast and ovarian cancer syndrome (HBOC); BRCA1- and BRCA2-Associated Hereditary Breast and Ovarian Cancer; Hereditary breast and ovarian cancer; Breast and ovarian cancer; Hereditary breast and/or ovarian cancer syndrome. Identifiers: Orphanet 145, MedGen C0677776, MeSH D061325, MONDO:0003582. Disease mechanism: loss of function.

Submission:

Labcorp Genetics (formerly Invitae), Labcorp
Classification: Uncertain significance for Hereditary breast ovarian cancer syndrome. Last evaluated: 2024-11-26. Review status: criteria provided, single submitter. Criteria: Invitae Variant Classification Sherloc (09022015). Collection method: clinical testing. Allele origin: germline.
Comment: This sequence change replaces lysine, which is basic and polar, with threonine, which is neutral and polar, at codon 530 of the BRCA2 protein (p.Lys530Thr). This variant is not present in population databases (gnomAD no frequency). This variant has not been reported in the literature in individuals affected with BRCA2-related conditions. Invitae Evidence Modeling of protein sequence and biophysical properties (such as structural, functional, and spatial information, amino acid conservation, physicochemical variation, residue mobility, and thermodynamic stability) indicates that this missense variant is not expected to disrupt BRCA2 protein function with a negative predictive value of 95%. In summary, the available evidence is currently insufficient to determine the role of this variant in disease. Therefore, it has been classified as a Variant of Uncertain Significance.